The following is an entry in ClinVar:

NM_004360.5(CDH1):c.2529_2530delinsAG (p.Ser844Gly)

Gene: CDH1 (cadherin 1; plus strand). Cytogenetic location: 16q22.1.
Variant type: Indel.
Coding change: c.2529_2530delinsAG on transcript NM_004360.5 (MANE Select); coding-DNA positions 2529 to 2530, TA replaced by AG.
Protein change: p.Ser844Gly; replaces serine 844 with glycine.
Molecular consequence: missense variant.
Genome position (GRCh38, 1-based): chr16:68,833,379-68,833,380, TA replaced by AG. VCF-style: chr16-68833379-TA-AG. GRCh37 (hg19) VCF-style: chr16-68867282-TA-AG.
Other names: c.2529_2530delTAinsAG (NM_004360.3); c.2346_2347delinsAG, p.Ser783Gly (NM_001317184.2); c.981_982delinsAG, p.Ser328Gly (NM_001317185.2); c.564_565delinsAG, p.Ser189Gly (NM_001317186.2); short protein forms S783G, S189G, S328G, S844G.
Identifiers: ClinVar variation 849990 (VCV000849990.13), dbSNP rs1961538497, ClinGen allele CA916081852.

ClinVar aggregate classification (germline): Uncertain significance. Review status: criteria provided, multiple submitters, no conflicts (2 of 4 stars). 2 submissions from 2 submitters: Uncertain significance (2). Last evaluated 2025-08-27.

Conditions:
Hereditary diffuse gastric adenocarcinoma (HDGC). Also called: DIFFUSE GASTRIC AND LOBULAR BREAST CANCER SYNDROME. Identifiers: Orphanet 26106, MedGen C1708349, MONDO:0007648, OMIM 137215.
Hereditary cancer-predisposing syndrome. Also called: Neoplastic Syndromes, Hereditary; Hereditary Cancer Syndrome; Hereditary neoplastic syndrome; Tumor predisposition. Identifiers: Orphanet 140162, MedGen C0027672, MeSH D009386, MONDO:0015356.

Submissions (2):

Labcorp Genetics (formerly Invitae), Labcorp
Classification: Uncertain significance for Hereditary diffuse gastric adenocarcinoma. Last evaluated: 2025-08-27. Review status: criteria provided, single submitter. Criteria: Invitae Variant Classification Sherloc (09022015). Collection method: clinical testing. Allele origin: germline.
Comment: This sequence change replaces serine, which is neutral and polar, with glycine, which is neutral and non-polar, at codon 844 of the CDH1 protein (p.Ser844Gly). Information on the frequency of this variant in the gnomAD database is not available, as this variant may be reported differently in the database. This missense change has been observed in individual(s) with breast cancer (PMID: 30287823, 35218119). This variant is also known as p.S783G. ClinVar contains an entry for this variant (Variation ID: 849990). Experimental studies and prediction algorithms are not available or were not evaluated, and the functional significance of this variant is currently unknown. In summary, the available evidence is currently insufficient to determine the role of this variant in disease. Therefore, it has been classified as a Variant of Uncertain Significance.

Ambry Genetics
Classification: Uncertain significance for Hereditary cancer-predisposing syndrome. Last evaluated: 2024-10-18. Review status: criteria provided, single submitter. Criteria: Ambry Variant Classification Scheme 2023. Collection method: clinical testing. Allele origin: germline.
Comment: The c.2529_2530delTAinsAG variant (also known as p.S844G), located in coding exon 16 of the CDH1 gene, results from an in-frame deletion of TA and insertion of AG at nucleotide positions 2529 to 2530. This results in the substitution of the serine residue for a glycine residue at codon 844, an amino acid with similar properties. This amino acid position is well conserved in available vertebrate species. In addition, the in silico prediction for this alteration is inconclusive (Choi Y et al. PLoS ONE. 2012; 7(10):e46688). Based on the available evidence, the clinical significance of this variant remains unclear.

Literature cited by the submitters: PubMed 30287823 (cited by Labcorp Genetics (formerly Invitae), Labcorp); PubMed 35218119 (cited by Labcorp Genetics (formerly Invitae), Labcorp).